The following is an entry in ClinVar:

NM_015629.4(PRPF31):c.1225C>T (p.Gln409Ter)

Gene: PRPF31 (pre-mRNA processing factor 31; plus strand). Cytogenetic location: 19q13.42.
Variant type: single nucleotide variant.
Coding change: c.1225C>T on transcript NM_015629.4 (MANE Select); coding-DNA position 1225, C replaced by T.
Protein change: p.Gln409Ter; replaces glutamine 409 with a stop codon.
Molecular consequence: nonsense.
Genome position (GRCh38, 1-based): chr19:54,129,135, C>T. VCF-style: chr19-54129135-C-T. GRCh37 (hg19) VCF-style: chr19-54632510-C-T.
Other names: short protein forms Q409*.
Identifiers: ClinVar variation 2818976 (VCV002818976.4), dbSNP rs2516206256, ClinGen allele CA407754719.

ClinVar aggregate classification (germline): Pathogenic. Review status: criteria provided, single submitter (1 of 4 stars). 2 submissions from 2 submitters: Pathogenic (1). 1 of the submissions does not count toward it. Last evaluated 2022-12-06.

Conditions:
Retinal dystrophy. Also called: Inherited retinal dystrophy. Identifiers: Orphanet 71862, MedGen C0854723, MeSH D058499, MONDO:0019118, HP:0000556.

Submissions (2):

Labcorp Genetics (formerly Invitae), Labcorp
Classification: Pathogenic. Last evaluated: 2022-12-06. Review status: criteria provided, single submitter. Criteria: Invitae Variant Classification Sherloc (09022015). Collection method: clinical testing. Allele origin: germline.
Comment: For these reasons, this variant has been classified as Pathogenic. This variant has not been reported in the literature in individuals affected with PRPF31-related conditions. This variant is not present in population databases (gnomAD no frequency). This sequence change creates a premature translational stop signal (p.Gln409*) in the PRPF31 gene. It is expected to result in an absent or disrupted protein product. Loss-of-function variants in PRPF31 are known to be pathogenic (PMID: 18317597, 23950152).

Institute of Human Genetics, Univ. Regensburg, Univ. Regensburg
Classification: Pathogenic for Retinal dystrophy. Last evaluated: 2017-01-01. Review status: no assertion criteria provided. Criteria: ACMG Guidelines, 2015. Collection method: clinical testing. Allele origin: germline. Affected: yes. Not counted in ClinVar's aggregate classification.

Literature cited by the submitters: PubMed 18317597 (cited by Labcorp Genetics (formerly Invitae), Labcorp); PubMed 23950152 (cited by Labcorp Genetics (formerly Invitae), Labcorp).